The following is an entry in ClinVar:

NC_000006.11:g.(?_110106153)_(110113887_?)del

Gene: FIG4 (FIG4 phosphoinositide 5-phosphatase; plus strand). Cytogenetic location: 6q21.
Variant type: Deletion.
Identifiers: ClinVar variation 2425985 (VCV002425985.4).

ClinVar aggregate classification (germline): Uncertain significance (1 of 4 stars; one submission).

Conditions:
Charcot-Marie-Tooth disease type 4. Also called: Charcot-Marie-Tooth disease, type IV; Charcot-Marie-Tooth, Type 4. Identifiers: Orphanet 64749, MedGen C4082197, MONDO:0018995.

Submission:

Labcorp Genetics (formerly Invitae), Labcorp
Classification: Uncertain significance for Charcot-Marie-Tooth disease type 4. Last evaluated: 2022-04-25. Review status: criteria provided, single submitter. Criteria: Invitae Variant Classification Sherloc (09022015). Collection method: clinical testing. Allele origin: germline.
Comment: This variant is a gross deletion of the genomic region encompassing exon(s) 17-21 of the FIG4 gene. This variant would be expected to be in-frame, preserving the integrity of the reading frame. This variant has not been reported in the literature in individuals affected with FIG4-related conditions. Experimental studies and prediction algorithms are not available or were not evaluated, and the functional significance of this variant is currently unknown. In summary, the available evidence is currently insufficient to determine the role of this variant in disease. Therefore, it has been classified as a Variant of Uncertain Significance.